The following is an entry in ClinVar:

NM_004985.5(KRAS):c.564G>C (p.Met188Ile)

Gene: KRAS (KRAS proto-oncogene, GTPase; minus strand). Cytogenetic location: 12p12.1.
Variant type: single nucleotide variant.
Coding change: c.564G>C on transcript NM_004985.5 (MANE Select); coding-DNA position 564, G replaced by C.
Protein change: p.Met188Ile; replaces methionine 188 with isoleucine.
Molecular consequence: missense variant. On other transcripts: 3 prime UTR variant (2).
Genome position (GRCh38, 1-based): chr12:25,209,798, C>G on the plus strand (G>C on the coding strand, the complement: KRAS is on the minus strand). VCF-style: chr12-25209798-C-G. GRCh37 (hg19) VCF-style: chr12-25362732-C-G.
Other names: c.*118G>C (NM_001369786.1, NM_033360.4); c.564G>C, p.Met188Ile (NM_001369787.1); short protein forms M188I.
Identifiers: ClinVar variation 4738965 (VCV004738965.1).
Genomic context (GRCh38, chr12:25,209,798, plus strand): 5'-ATGTACAAAAATTACCACTTGTACTAGTATGCCTTAAGAAAAAAGTACAAATTGTATTTA[C>G]ATAATTACACACTTTGTCTTTGACTTCTTTTTCTTCTTTTTACCATCTTTGCTCATCTTT-3'
Protein context (NP_004976.2, residues 178-188): KKKSKTKCVI[Met188Ile]

ClinVar aggregate classification (germline): Uncertain significance (1 of 4 stars; one submission).

Conditions:
RASopathy. Also called: rasopathies; Noonan spectrum disorder. Identifiers: Orphanet 536391, MedGen C5555857, MONDO:0021060.

Submission:

Labcorp Genetics (formerly Invitae), Labcorp
Classification: Uncertain significance for RASopathy. Last evaluated: 2025-06-10. Review status: criteria provided, single submitter. Criteria: Invitae Variant Classification Sherloc (09022015). Collection method: clinical testing. Allele origin: germline.
Comment: This sequence change replaces methionine, which is neutral and non-polar, with isoleucine, which is neutral and non-polar, at codon 188 of the KRAS protein (p.Met188Ile). This variant is present in population databases (no rsID available, gnomAD 0.0009%). This variant has not been reported in the literature in individuals affected with KRAS-related conditions. Invitae Evidence Modeling of protein sequence and biophysical properties (such as structural, functional, and spatial information, amino acid conservation, physicochemical variation, residue mobility, and thermodynamic stability) indicates that this missense variant is not expected to disrupt KRAS protein function with a negative predictive value of 95%. Algorithms developed to predict the effect of sequence changes on RNA splicing suggest that this variant may create or strengthen a splice site. In summary, the available evidence is currently insufficient to determine the role of this variant in disease. Therefore, it has been classified as a Variant of Uncertain Significance.